The following is an entry in ClinVar:

ClinVar aggregate classification (germline): Likely benign (0 of 4 stars; one submission).

Conditions:
CUBN-related disorder. Also called: CUBN-related condition.

Submission:

PreventionGenetics, part of Exact Sciences
Classification: Likely benign for CUBN-related condition. Last evaluated: 2019-04-25. Review status: no assertion criteria provided. Collection method: clinical testing. Allele origin: germline.
Comment: This variant is classified as likely benign based on ACMG/AMP sequence variant interpretation guidelines (Richards et al. 2015 PMID: 25741868, with internal and published modifications).

NM_001081.4(CUBN):c.10359G>A (p.Leu3453=)

Gene: CUBN (cubilin; minus strand). Cytogenetic location: 10p13.
Variant type: single nucleotide variant.
Coding change: c.10359G>A on transcript NM_001081.4 (MANE Select); coding-DNA position 10359, G replaced by A.
Protein change: p.Leu3453=; no amino-acid change (leucine 3453 retained).
Molecular consequence: synonymous variant.
Genome position (GRCh38, 1-based): chr10:16,835,017, C>T on the plus strand (G>A on the coding strand, the complement: CUBN is on the minus strand). VCF-style: chr10-16835017-C-T. GRCh37 (hg19) VCF-style: chr10-16877016-C-T.
Identifiers: ClinVar variation 3057767 (VCV003057767.2), dbSNP rs2491138120, ClinGen allele CA468299049.